The following is an entry in ClinVar:

NM_001099403.2(PRDM8):c.589G>T (p.Val197Leu)

Gene: PRDM8 (PR/SET domain 8; plus strand). Cytogenetic location: 4q21.21.
Variant type: single nucleotide variant.
Coding change: c.589G>T on transcript NM_001099403.2 (MANE Select); coding-DNA position 589, G replaced by T.
Protein change: p.Val197Leu; replaces valine 197 with leucine.
Molecular consequence: missense variant.
Genome position (GRCh38, 1-based): chr4:80,202,051, G>T. VCF-style: chr4-80202051-G-T. GRCh37 (hg19) VCF-style: chr4-81123205-G-T.
Other names: c.589G>T, p.Val197Leu (NM_020226.4); short protein forms V197L.
Identifiers: ClinVar variation 651342 (VCV000651342.11), dbSNP rs1578262845, ClinGen allele CA357394439.

ClinVar aggregate classification (germline): Uncertain significance. Review status: criteria provided, multiple submitters, no conflicts (2 of 4 stars). 2 submissions from 2 submitters: Uncertain significance (2). Last evaluated 2023-07-14.

Conditions:
Early-onset Lafora body disease. Also called: Epilepsy, progressive myoclonic, 10. Identifiers: Orphanet 324290, MedGen C4225258, MONDO:0014717, OMIM 616640.

Allele frequency attached by ClinVar (database versions not stated): TOPMed 0.00001.

Submissions (2):

Labcorp Genetics (formerly Invitae), Labcorp
Classification: Uncertain significance for Early-onset Lafora body disease. Last evaluated: 2023-07-14. Review status: criteria provided, single submitter. Criteria: Invitae Variant Classification Sherloc (09022015). Collection method: clinical testing. Allele origin: germline.
Comment: In summary, the available evidence is currently insufficient to determine the role of this variant in disease. Therefore, it has been classified as a Variant of Uncertain Significance. Algorithms developed to predict the effect of missense changes on protein structure and function output the following: SIFT: "Not Available"; PolyPhen-2: "Benign"; Align-GVGD: "Not Available". The leucine amino acid residue is found in multiple mammalian species, which suggests that this missense change does not adversely affect protein function. ClinVar contains an entry for this variant (Variation ID: 651342). This variant has not been reported in the literature in individuals affected with PRDM8-related conditions. This variant is not present in population databases (gnomAD no frequency). This sequence change replaces valine, which is neutral and non-polar, with leucine, which is neutral and non-polar, at codon 197 of the PRDM8 protein (p.Val197Leu).

New York Genome Center
Classification: Uncertain significance for Early-onset Lafora body disease. Last evaluated: 2019-12-13. Review status: criteria provided, single submitter. Criteria: NYGC Assertion Criteria 2020. Collection method: clinical testing. Allele origin: germline. Observed: 1 heterozygote. Study: CSER-NYCKidSeq.